The following is an entry in ClinVar:

NC_000017.1:g.18054799_18058246delinsCTCCCCGGAACGGCTGCTGGTAC

Gene: MYO15A (myosin XVA; plus strand). Cytogenetic location: 17p11.2.
Variant type: Insertion.
Identifiers: ClinVar variation 236039 (VCV000236039.1).

ClinVar aggregate classification (germline): Pathogenic (0 of 4 stars; one submission).

Conditions:
Autosomal recessive nonsyndromic hearing loss 3. Also called: NEUROSENSORY NONSYNDROMIC RECESSIVE DEAFNESS 3. Identifiers: Orphanet 90636, MedGen C1838263, MONDO:0010860, OMIM 600316.

Submission:

Laboratory of Prof. Karen Avraham, Tel Aviv University
Classification: Pathogenic for Autosomal recessive nonsyndromic hearing loss 3. Last evaluated: 2016-02-16. Review status: no assertion criteria provided. Collection method: research. Allele origin: germline. Affected: yes.
Comment: Congenital, profound HL

NSHL; recessive, DFNB3